The following is an entry in ClinVar:

NM_001365536.1(SCN9A):c.3884del (p.Ala1294_Leu1295insTer)

Genes: SCN1A-AS1 (SCN1A and SCN9A antisense RNA 1; plus strand), SCN9A (sodium voltage-gated channel alpha subunit 9; minus strand). Cytogenetic location: 2q24.3.
Variant type: Deletion.
Coding change: c.3884del on transcript NM_001365536.1 (MANE Select); coding-DNA position 3884, one base deleted (T; older notation c.3884delT).
Protein change: p.Ala1294_Leu1295insTer.
Molecular consequence: nonsense. On other transcripts: frameshift variant (1).
Genome position (GRCh38, 1-based): chr2:166,233,380, A deleted on the plus strand (T on the coding strand, the reverse complement: SCN9A is on the minus strand); the first of 3 consecutive A bases (chr2:166,233,380-166,233,382); deleting any one gives the same sequence. VCF-style (leftmost placement, unchanged base first): chr2-166233379-TA-T. GRCh37 (hg19) VCF-style: chr2-167089889-TA-T.
Other names: c.3849delT, p.Leu1284Terfs (NM_002977.4).
Identifiers: ClinVar variation 2952363 (VCV002952363.3), dbSNP rs2468991339, ClinGen allele CA2661765697.

ClinVar aggregate classification (germline): Pathogenic (1 of 4 stars; one submission).

Conditions:
Neuropathy, hereditary sensory and autonomic, type 2A (HSAN2A). Also called: ACROOSTEOLYSIS, GIACCAI TYPE; ACROOSTEOLYSIS, NEUROGENIC; MORVAN DISEASE; NEUROPATHY, CONGENITAL SENSORY; NEUROPATHY, HEREDITARY SENSORY RADICULAR, AUTOSOMAL RECESSIVE; NEUROPATHY, HEREDITARY SENSORY, TYPE IIA. Identifiers: Orphanet 970, MedGen C2752089, MONDO:0024309, OMIM 201300.
Generalized epilepsy with febrile seizures plus, type 7 (GEFSP7). Also called: GEFS+, TYPE 7. Identifiers: Orphanet 36387, MedGen C2751778, MONDO:0013470, OMIM 613863.

Submission:

Labcorp Genetics (formerly Invitae), Labcorp
Classification: Pathogenic for Neuropathy, hereditary sensory and autonomic, type 2A; Generalized epilepsy with febrile seizures plus, type 7. Last evaluated: 2023-09-29. Review status: criteria provided, single submitter. Criteria: Invitae Variant Classification Sherloc (09022015). Collection method: clinical testing. Allele origin: germline.
Comment: For these reasons, this variant has been classified as Pathogenic. This variant has not been reported in the literature in individuals affected with SCN9A-related conditions. This variant is not present in population databases (gnomAD no frequency). This sequence change creates a premature translational stop signal (p.Leu1284*) in the SCN9A gene. It is expected to result in an absent or disrupted protein product. Loss-of-function variants in SCN9A are known to be pathogenic (PMID: 17470132, 19304393).

Literature cited by the submitters: PubMed 17470132; PubMed 19304393.